The following is an entry in ClinVar:

NM_000293.3(PHKB):c.152A>G (p.His51Arg)

Gene: PHKB (phosphorylase kinase regulatory subunit beta; plus strand). Cytogenetic location: 16q12.1.
Variant type: single nucleotide variant.
Coding change: c.152A>G on transcript NM_000293.3 (MANE Select); coding-DNA position 152, A replaced by G.
Protein change: p.His51Arg; replaces histidine 51 with arginine.
Molecular consequence: missense variant.
Genome position (GRCh38, 1-based): chr16:47,497,474, A>G. VCF-style: chr16-47497474-A-G. GRCh37 (hg19) VCF-style: chr16-47531385-A-G.
Other names: c.131A>G, p.His44Arg (NM_001031835.3); c.152A>G, p.His51Arg (NM_001363837.1); short protein forms H44R, H51R.
Identifiers: ClinVar variation 4692313 (VCV004692313.1).
Genomic context (GRCh38, chr16:47,497,474, plus strand): 5'-CTCTTAAAAGCATTAATCTTCCAAGACCTGATAATGAAACTCTCTGGGATAAGTTGGACC[A>G]TTATTACAGAATTGGTGAGTAAAACCTGAGGAAAACGTGTCCTTAGGTATCTGCGATTAG-3'
Protein context (NP_000284.1, residues 41-61): DNETLWDKLD[His51Arg]YYRIVKSTLL

ClinVar aggregate classification (germline): Uncertain significance (1 of 4 stars; one submission).

Conditions:
Glycogen storage disease IXb (GSD9B). Also called: GLYCOGENOSIS OF LIVER AND MUSCLE, AUTOSOMAL RECESSIVE; GSD IXb; PHOSPHORYLASE KINASE DEFICIENCY OF LIVER AND MUSCLE, AUTOSOMAL RECESSIVE. Identifiers: Orphanet 79240, MedGen C0543514, MONDO:0009868, OMIM 261750.

gnomAD v4.1: 3 of 1,601,924 alleles (0.00019%); highest among the groups gnomAD compares: South Asian, 0.0011%; no homozygotes.

Submission:

Labcorp Genetics (formerly Invitae), Labcorp
Classification: Uncertain significance for Glycogen storage disease IXb. Last evaluated: 2025-11-06. Review status: criteria provided, single submitter. Criteria: Invitae Variant Classification Sherloc (09022015). Collection method: clinical testing. Allele origin: germline.
Comment: This sequence change replaces histidine, which is basic and polar, with arginine, which is basic and polar, at codon 51 of the PHKB protein (p.His51Arg). This variant is not present in population databases (gnomAD no frequency). This variant has not been reported in the literature in individuals affected with PHKB-related conditions. An algorithm developed to predict the effect of missense changes on protein structure and function outputs the following: PolyPhen-2: "Benign". The arginine amino acid residue is found in multiple mammalian species, which suggests that this missense change does not adversely affect protein function. In summary, the available evidence is currently insufficient to determine the role of this variant in disease. Therefore, it has been classified as a Variant of Uncertain Significance.